The following is an entry in ClinVar:

ClinVar aggregate classification (germline): Uncertain significance (1 of 4 stars; one submission).

Submission:

GeneDx
Classification: Uncertain significance. Last evaluated: 2025-07-16. Review status: criteria provided, single submitter. Criteria: GeneDx Variant Classification Process June 2021. Collection method: clinical testing. Allele origin: germline. Affected: yes.
Comment: Not observed at significant frequency in large population cohorts (gnomAD); In silico analysis suggests that this missense variant does not alter protein structure/function; Has not been previously published as pathogenic or benign to our knowledge

NM_198525.3(KIF7):c.370A>G (p.Met124Val)

Gene: KIF7 (kinesin family member 7; minus strand). Cytogenetic location: 15q26.1.
Variant type: single nucleotide variant.
Coding change: c.370A>G on transcript NM_198525.3 (MANE Select); coding-DNA position 370, A replaced by G.
Protein change: p.Met124Val; replaces methionine 124 with valine.
Molecular consequence: missense variant.
Genome position (GRCh38, 1-based): chr15:89,649,900, T>C on the plus strand (A>G on the coding strand, the complement: KIF7 is on the minus strand). VCF-style: chr15-89649900-T-C. GRCh37 (hg19) VCF-style: chr15-90193131-T-C.
Other names: short protein forms M124V.
Identifiers: ClinVar variation 4686485 (VCV004686485.1).